The following is an entry in ClinVar:

ClinVar aggregate classification (germline): Uncertain significance (1 of 4 stars; one submission).

Submission:

Labcorp Genetics (formerly Invitae), Labcorp
Classification: Uncertain significance. Last evaluated: 2025-12-02. Review status: criteria provided, single submitter. Criteria: Invitae Variant Classification Sherloc (09022015). Collection method: clinical testing. Allele origin: germline.
Comment: This sequence change replaces histidine, which is basic and polar, with arginine, which is basic and polar, at codon 1353 of the ERCC6L2 protein (p.His1353Arg). This variant is not present in population databases (gnomAD no frequency). This variant has not been reported in the literature in individuals affected with ERCC6L2-related conditions. Experimental studies and prediction algorithms are not available or were not evaluated, and the functional significance of this variant is currently unknown. In summary, the available evidence is currently insufficient to determine the role of this variant in disease. Therefore, it has been classified as a Variant of Uncertain Significance.

NM_020207.7(ERCC6L2):c.4025A>G (p.His1342Arg)

Gene: ERCC6L2 (ERCC excision repair 6 like 2; plus strand). Cytogenetic location: 9q22.32.
Variant type: single nucleotide variant.
Coding change: c.4025A>G on transcript NM_020207.7 (MANE Select); coding-DNA position 4025, A replaced by G.
Protein change: p.His1342Arg; replaces histidine 1342 with arginine.
Molecular consequence: missense variant. On other transcripts: non-coding transcript variant (1), intron variant (2).
Genome position (GRCh38, 1-based): chr9:96,012,575, A>G. VCF-style: chr9-96012575-A-G. GRCh37 (hg19) VCF-style: chr9-98774857-A-G.
Other names: c.3674+7874A>G (NM_001375291.1, NM_001375292.1); short protein forms H1342R.
Identifiers: ClinVar variation 4767368 (VCV004767368.1).
Genomic context (GRCh38, chr9:96,012,575, plus strand): 5'-AAATTTCTCAAGTTTGCAGCCTAAAAACATATAAAAGAAAATCAGTTAAGTTTCAGAATC[A>G]TATTTCCTATAGAGAAGAGGTGTTTTTTAATGATGCAGAAACTAAGAAATCACCTGTTAG-3'
Protein context (NP_064592.3, residues 1332-1352): YKRKSVKFQN[His1342Arg]ISYREEVFFN